The following is an entry in ClinVar:

NM_001014987.2(LAT):c.109G>A (p.Asp37Asn)

Gene: LAT (linker for activation of T cells; plus strand). Cytogenetic location: 16p11.2.
Variant type: single nucleotide variant.
Coding change: c.109G>A on transcript NM_001014987.2 (MANE Select); coding-DNA position 109, G replaced by A.
Protein change: p.Asp37Asn; replaces aspartic acid 37 with asparagine.
Molecular consequence: missense variant.
Genome position (GRCh38, 1-based): chr16:28,985,721, G>A. VCF-style: chr16-28985721-G-A. GRCh37 (hg19) VCF-style: chr16-28997042-G-A.
Other names: c.109G>A, p.Asp37Asn (NM_001014988.2, NM_014387.4); c.217G>A, p.Asp73Asn (NM_001014989.2); c.217G>A (NM_001014989.1); short protein forms D37N, D73N.
Identifiers: ClinVar variation 1038087 (VCV001038087.8), dbSNP rs55945024, ClinGen allele CA7989830.

ClinVar aggregate classification (germline): Uncertain significance. Review status: criteria provided, multiple submitters, no conflicts (2 of 4 stars). 2 submissions from 2 submitters: Uncertain significance (2). Last evaluated 2025-06-02.

Allele frequency attached by ClinVar (database versions not stated): gnomAD exomes 0.00005 and 0.00009; ESP Exome Variant Server 0.00008; ExAC 0.00009; TOPMed 0.00009; gnomAD 0.00012.

Submissions (2):

Labcorp Genetics (formerly Invitae), Labcorp
Classification: Uncertain significance. Last evaluated: 2025-06-02. Review status: criteria provided, single submitter. Criteria: Invitae Variant Classification Sherloc (09022015). Collection method: clinical testing. Allele origin: germline.
Comment: This sequence change replaces aspartic acid, which is acidic and polar, with asparagine, which is neutral and polar, at codon 37 of the LAT protein (p.Asp37Asn). This variant is present in population databases (rs55945024, gnomAD 0.04%). This variant has not been reported in the literature in individuals affected with LAT-related conditions. ClinVar contains an entry for this variant (Variation ID: 1038087). An algorithm developed to predict the effect of missense changes on protein structure and function outputs the following: PolyPhen-2: "Benign". The asparagine amino acid residue is found in multiple mammalian species, which suggests that this missense change does not adversely affect protein function. In summary, the available evidence is currently insufficient to determine the role of this variant in disease. Therefore, it has been classified as a Variant of Uncertain Significance.

Ambry Genetics
Classification: Uncertain significance. Last evaluated: 2025-04-12. Review status: criteria provided, single submitter. Criteria: Ambry Variant Classification Scheme 2023. Collection method: clinical testing. Allele origin: germline.